The following is an entry in ClinVar:

ClinVar aggregate classification (germline): Uncertain significance (1 of 4 stars; one submission).

gnomAD v4.1: 2 of 1,613,848 alleles (0.00012%); highest among the groups gnomAD compares: Non-Finnish European, 0.00017%; no homozygotes.

Submission:

Labcorp Genetics (formerly Invitae), Labcorp
Classification: Uncertain significance. Last evaluated: 2024-07-24. Review status: criteria provided, single submitter. Criteria: Invitae Variant Classification Sherloc (09022015). Collection method: clinical testing. Allele origin: germline.
Comment: This sequence change replaces arginine, which is basic and polar, with threonine, which is neutral and polar, at codon 461 of the IL23R protein (p.Arg461Thr). This variant is not present in population databases (gnomAD no frequency). This variant has not been reported in the literature in individuals affected with IL23R-related conditions. An algorithm developed to predict the effect of missense changes on protein structure and function outputs the following: PolyPhen-2: "Possibly Damaging". The threonine amino acid residue is found in multiple mammalian species, which suggests that this missense change does not adversely affect protein function. In summary, the available evidence is currently insufficient to determine the role of this variant in disease. Therefore, it has been classified as a Variant of Uncertain Significance.

NM_144701.3(IL23R):c.1382G>C (p.Arg461Thr)

Gene: IL23R (interleukin 23 receptor; plus strand). Cytogenetic location: 1p31.3.
Variant type: single nucleotide variant.
Coding change: c.1382G>C on transcript NM_144701.3 (MANE Select); coding-DNA position 1382, G replaced by C.
Protein change: p.Arg461Thr; replaces arginine 461 with threonine.
Molecular consequence: missense variant.
Genome position (GRCh38, 1-based): chr1:67,258,620, G>C. VCF-style: chr1-67258620-G-C. GRCh37 (hg19) VCF-style: chr1-67724303-G-C.
Other names: short protein forms R461T.
Identifiers: ClinVar variation 3694740 (VCV003694740.2).
Genomic context (GRCh38, chr1:67,258,620, plus strand): 5'-TCATCCCAGAACACAAGCCTACAGACTACAAGAAGGAGAATACAGGACCCCTGGAGACAA[G>C]AGACTACCCGCAAAACTCGCTATTCGACAATACTACAGTTGTATATATTCCTGATCTCAA-3'
Protein context (NP_653302.2, residues 451-471): KKENTGPLET[Arg461Thr]DYPQNSLFDN